The following is an entry in ClinVar:

ClinVar aggregate classification (germline): Likely pathogenic. Review status: criteria provided, multiple submitters, no conflicts (2 of 4 stars). 2 submissions from 2 submitters: Likely pathogenic (2). Last evaluated 2026-08-26.

Conditions:
SCN1A-related disorder. Also called: SCN1A-related conditions; SCN1A-related condition; SCN1A-related disorders.

Submissions (2):

PreventionGenetics, part of Exact Sciences
Classification: Likely pathogenic for SCN1A-related condition. Last evaluated: 2026-08-26. Review status: criteria provided, single submitter. Criteria: ACMG Guidelines, 2015. Collection method: clinical testing. Allele origin: germline.
Comment: The SCN1A c.3946A>G variant is predicted to result in the amino acid substitution p.Arg1316Gly. This variant was reported in multiple individuals with severe myoclonic epilepsy of infancy (E-table A, Wang et al. 2012. PubMed ID: 23195492; reported as c.3862A>G (p.Arg1288Gly) (NM_001165964) in supplemental table 2, Zhou et al. 2022. PubMed ID: 35813073). Another variant affecting this amino acid (c.3946A>T, p.Arg1316Trp) was reported in an individual with Dravet syndrome (Lim et al. 2011. PubMed ID: 21868258). This variant has not been reported in a large population database (gnomAD), indicating this variant is rare. This variant is interpreted as likely pathogenic.

GeneDx
Classification: Likely pathogenic. Last evaluated: 2023-06-06. Review status: criteria provided, single submitter. Criteria: GeneDx Variant Classification Process June 2021. Collection method: clinical testing. Allele origin: germline. Affected: yes.
Comment: Missense variants in this gene are often considered pathogenic (HGMD); Not observed at significant frequency in large population cohorts (gnomAD); In silico analysis supports that this missense variant has a deleterious effect on protein structure/function; This variant is associated with the following publications: (PMID: 35813073, 23195492)

NM_001165963.4(SCN1A):c.3946A>G (p.Arg1316Gly)

Genes: SCN1A (sodium voltage-gated channel alpha subunit 1; minus strand), LOC102724058 (uncharacterized LOC102724058; plus strand). Cytogenetic location: 2q24.3.
Variant type: single nucleotide variant.
Coding change: c.3946A>G on transcript NM_001165963.4 (MANE Select); coding-DNA position 3946, A replaced by G.
Protein change: p.Arg1316Gly; replaces arginine 1316 with glycine.
Molecular consequence: missense variant. On other transcripts: non-coding transcript variant (1).
Genome position (GRCh38, 1-based): chr2:166,009,775, T>C on the plus strand (A>G on the coding strand, the complement: SCN1A is on the minus strand). VCF-style: chr2-166009775-T-C. GRCh37 (hg19) VCF-style: chr2-166866285-T-C.
Other names: c.3862A>G, p.Arg1288Gly (NM_001165964.3, NM_001353957.2, NM_001353958.2); c.3946A>G, p.Arg1316Gly (NM_001202435.3, NM_001353948.2); c.3913A>G, p.Arg1305Gly (NM_001353949.2, NM_001353950.2, NM_001353951.2 and 2 more transcripts); c.3910A>G, p.Arg1304Gly (NM_001353954.2, NM_001353955.2); c.3859A>G, p.Arg1287Gly (NM_001353960.2); c.1504A>G, p.Arg502Gly (NM_001353961.2); c.3946A>G (NM_001202435.1); short protein forms R1287G, R1288G, R1304G, R1305G, R1316G, R502G.
Identifiers: ClinVar variation 3338840 (VCV003338840.2).